The following is an entry in ClinVar:

NM_007327.4(GRIN1):c.2755C>T (p.Arg919Ter)

Gene: GRIN1 (glutamate ionotropic receptor NMDA type subunit 1; plus strand). Cytogenetic location: 9q34.3.
Variant type: single nucleotide variant.
Coding change: c.2755C>T on transcript NM_007327.4 (MANE Select); coding-DNA position 2755, C replaced by T.
Protein change: p.Arg919Ter; replaces arginine 919 with a stop codon.
Molecular consequence: nonsense. On other transcripts: intron variant (3).
Genome position (GRCh38, 1-based): chr9:137,167,465, C>T. VCF-style: chr9-137167465-C-T. GRCh37 (hg19) VCF-style: chr9-140061917-C-T.
Other names: c.2644C>T, p.Arg882Ter (NM_021569.4); c.2764-309C>T (NM_001185090.2); c.2653-309C>T (NM_001185091.2); c.2590-309C>T (NM_000832.7); short protein forms R919*, R882*.
Identifiers: ClinVar variation 2862342 (VCV002862342.3), dbSNP rs2538668384, ClinGen allele CA375729748.

ClinVar aggregate classification (germline): Uncertain significance (1 of 4 stars; one submission).

Conditions:
Neurodevelopmental disorder with or without hyperkinetic movements and seizures, autosomal dominant. Also called: Intellectual disability, autosomal dominant 8. Identifiers: MedGen C3280282, MONDO:0013655, OMIM 614254.

Submission:

Labcorp Genetics (formerly Invitae), Labcorp
Classification: Uncertain significance for Neurodevelopmental disorder with or without hyperkinetic movements and seizures, autosomal dominant. Last evaluated: 2023-05-05. Review status: criteria provided, single submitter. Criteria: Invitae Variant Classification Sherloc (09022015). Collection method: clinical testing. Allele origin: germline.
Comment: This variant has not been reported in the literature in individuals affected with GRIN1-related conditions. This sequence change creates a premature translational stop signal (p.Arg919*) in the GRIN1 gene. While this is not anticipated to result in nonsense mediated decay, it is expected to disrupt the last 20 amino acid(s) of the GRIN1 protein. This variant is not present in population databases (gnomAD no frequency). Experimental studies and prediction algorithms are not available or were not evaluated, and the functional significance of this variant is currently unknown. In summary, the available evidence is currently insufficient to determine the role of this variant in disease. Therefore, it has been classified as a Variant of Uncertain Significance.